The following is an entry in ClinVar:

ClinVar aggregate classification (germline): Conflicting classifications of pathogenicity. Review status: criteria provided, conflicting classifications (1 of 4 stars). 3 submissions from 3 submitters: Uncertain significance (1); Likely benign (1). 1 of the submissions does not count toward it. Last evaluated 2024-10-09.

Conditions:
BCO1-related disorder. Also called: BCO1-related condition.

Allele frequency attached by ClinVar (database versions not stated): ESP Exome Variant Server 0.00092; TOPMed 0.00095; gnomAD exomes 0.00012; ExAC 0.00028; 1000 Genomes Project 30x 0.00047; 1000 Genomes Project 0.00060; gnomAD 0.00085.
gnomAD v4.1: 313 of 1,614,170 alleles (0.019%); highest among the groups gnomAD compares: African/African-American, 0.29%; no homozygotes.

Submissions (3):

Blueprint Genetics
Classification: Likely benign. Last evaluated: 2024-10-09. Review status: criteria provided, single submitter. Criteria: ACMG Guidelines, 2015. Collection method: clinical testing. Allele origin: germline.

Ambry Genetics
Classification: Uncertain significance. Last evaluated: 2024-01-24. Review status: criteria provided, single submitter. Criteria: Ambry Variant Classification Scheme 2023. Collection method: clinical testing. Allele origin: germline.

PreventionGenetics, part of Exact Sciences
Classification: Likely benign for BCO1-related condition. Last evaluated: 2019-10-28. Review status: no assertion criteria provided. Collection method: clinical testing. Allele origin: germline. Not counted in ClinVar's aggregate classification.
Comment: This variant is classified as likely benign based on ACMG/AMP sequence variant interpretation guidelines (Richards et al. 2015 PMID: 25741868, with internal and published modifications).

NM_017429.3(BCO1):c.950G>A (p.Gly317Asp)

Gene: BCO1 (beta-carotene oxygenase 1; plus strand). Cytogenetic location: 16q23.2.
Variant type: single nucleotide variant.
Coding change: c.950G>A on transcript NM_017429.3 (MANE Select); coding-DNA position 950, G replaced by A.
Protein change: p.Gly317Asp; replaces glycine 317 with aspartic acid.
Molecular consequence: missense variant.
Genome position (GRCh38, 1-based): chr16:81,270,265, G>A. VCF-style: chr16-81270265-G-A. GRCh37 (hg19) VCF-style: chr16-81303870-G-A.
Other names: short protein forms G317D.
Identifiers: ClinVar variation 3045002 (VCV003045002.4), dbSNP rs145438816, ClinGen allele CA8190947.